The following is an entry in ClinVar:

ClinVar aggregate classification (germline): Uncertain significance. Review status: criteria provided, multiple submitters, no conflicts (2 of 4 stars). 2 submissions from 2 submitters: Uncertain significance (2). Last evaluated 2025-02-17.

Conditions:
Hyperaldosteronism, familial, type IV (HALD4). Also called: FH IV; ALDOSTERONISM, PRIMARY, AND HYPERTENSION. Identifiers: Orphanet 642671, MedGen C4310756, MONDO:0014875, OMIM 617027.
Epilepsy, childhood absence, susceptibility to, 6. Identifiers: Orphanet 64280, MedGen C2749872, MONDO:0012763, OMIM 611942.
Idiopathic generalized epilepsy. Also called: Generalised epilepsy; EIG. Identifiers: MedGen C0270850, MONDO:0005579, OMIM 600669.

Submissions (2):

Labcorp Genetics (formerly Invitae), Labcorp
Classification: Uncertain significance for Idiopathic generalized epilepsy; Hyperaldosteronism, familial, type IV. Last evaluated: 2025-02-17. Review status: criteria provided, single submitter. Criteria: Invitae Variant Classification Sherloc (09022015). Collection method: clinical testing. Allele origin: germline.
Comment: This sequence change replaces methionine, which is neutral and non-polar, with leucine, which is neutral and non-polar, at codon 183 of the CACNA1H protein (p.Met183Leu). This variant is not present in population databases (gnomAD no frequency). This variant has not been reported in the literature in individuals affected with CACNA1H-related conditions. ClinVar contains an entry for this variant (Variation ID: 1416499). An algorithm developed to predict the effect of missense changes on protein structure and function (PolyPhen-2) suggests that this variant is likely to be disruptive. In summary, the available evidence is currently insufficient to determine the role of this variant in disease. Therefore, it has been classified as a Variant of Uncertain Significance.

Fulgent Genetics
Classification: Uncertain significance for Epilepsy, childhood absence, susceptibility to, 6; Hyperaldosteronism, familial, type IV. Last evaluated: 2024-04-25. Review status: criteria provided, single submitter. Criteria: ACMG Guidelines, 2015. Collection method: clinical testing. Allele origin: germline.

NM_021098.3(CACNA1H):c.547A>T (p.Met183Leu)

Gene: CACNA1H (calcium voltage-gated channel subunit alpha1 H; plus strand). Cytogenetic location: 16p13.3.
Variant type: single nucleotide variant.
Coding change: c.547A>T on transcript NM_021098.3 (MANE Select); coding-DNA position 547, A replaced by T.
Protein change: p.Met183Leu; replaces methionine 183 with leucine.
Molecular consequence: missense variant.
Genome position (GRCh38, 1-based): chr16:1,195,927, A>T. VCF-style: chr16-1195927-A-T. GRCh37 (hg19) VCF-style: chr16-1245927-A-T.
Other names: c.547A>T, p.Met183Leu (NM_001005407.2); short protein forms M183L.
Identifiers: ClinVar variation 1416499 (VCV001416499.9), dbSNP rs763029586, ClinGen allele CA394153232.
Genomic context (GRCh38, chr16:1,195,927, plus strand): 5'-CCCCACCCTGGACCACCTGGGCTCCTTGTTGAGCTGCTCCCCCTCGGCCCCGCCCCCAGC[A>T]TGATGGAGTACTCGTTGGACGGACACAACGTGAGCCTCTCGGCTATCAGGACCGTGCGGG-3'
Protein context (NP_066921.2, residues 173-193): RLDFFIVVAG[Met183Leu]MEYSLDGHNV